The following is an entry in ClinVar:

ClinVar aggregate classification (germline): Conflicting classifications of pathogenicity. Review status: criteria provided, conflicting classifications (1 of 4 stars). 5 submissions from 5 submitters: Uncertain significance (1); Benign (1); Likely benign (3). Last evaluated 2025-12-10.

Conditions:
Inborn genetic diseases. Identifiers: MedGen C0950123, MeSH D030342.
Spastic paraplegia. Identifiers: MedGen C0037772, HP:0001258.
Hereditary spastic paraplegia. Also called: Familial spastic paraparesis. Identifiers: Orphanet 685, MedGen C0037773, MONDO:0019064. Disease mechanism: loss of function.

Allele frequency attached by ClinVar (database versions not stated): gnomAD exomes 0.00016; 1000 Genomes Project 30x 0.00104; 1000 Genomes Project 0.00106; gnomAD 0.00008 and 0.00011; TOPMed 0.00008; ExAC 0.00011.
gnomAD v4.1: 46 of 1,208,629 alleles (0.0038%); highest among the groups gnomAD compares: East Asian, 0.11%; no homozygotes.

Submissions (5):

Labcorp Genetics (formerly Invitae), Labcorp
Classification: Benign for Spastic paraplegia. Last evaluated: 2025-12-10. Review status: criteria provided, single submitter. Criteria: Invitae Variant Classification Sherloc (09022015). Collection method: clinical testing. Allele origin: germline.

CeGaT Center for Human Genetics Tuebingen
Classification: Likely benign. Last evaluated: 2025-09-01. Review status: criteria provided, single submitter. Criteria: CeGaT Center For Human Genetics Tuebingen Variant Classification Criteria Version 2. Collection method: clinical testing. Allele origin: germline. Affected: yes. Observed: 1 variant allele.
Comment: L1CAM: BS2

Ambry Genetics
Classification: Likely benign for Inborn genetic diseases. Last evaluated: 2018-03-12. Review status: criteria provided, single submitter. Criteria: Ambry Variant Classification Scheme 2023. Collection method: clinical testing. Allele origin: germline.

Genome Diagnostics Laboratory, The Hospital for Sick Children
Classification: Likely benign for Hereditary spastic paraplegia. Last evaluated: 2016-12-12. Review status: criteria provided, single submitter. Criteria: ACMG Guidelines, 2015. Collection method: clinical testing. Allele origin: germline. Affected: yes.

Genetic Services Laboratory, University of Chicago
Classification: Uncertain significance. Last evaluated: 2016-06-01. Review status: criteria provided, single submitter. Criteria: ACMG Guidelines, 2015. Collection method: clinical testing. Allele origin: germline. Affected: no.

NM_001278116.2(L1CAM):c.1759G>C (p.Gly587Arg)

Gene: L1CAM (L1 cell adhesion molecule; minus strand). Cytogenetic location: Xq28.
Variant type: single nucleotide variant.
Coding change: c.1759G>C on transcript NM_001278116.2 (MANE Select); coding-DNA position 1759, G replaced by C.
Protein change: p.Gly587Arg; replaces glycine 587 with arginine.
Molecular consequence: missense variant.
Genome position (GRCh38, 1-based): chrX:153,868,067, C>G on the plus strand (G>C on the coding strand, the complement: L1CAM is on the minus strand). VCF-style: chrX-153868067-C-G. GRCh37 (hg19) VCF-style: chrX-153133522-C-G.
Other names: c.1759G>C, p.Gly587Arg (NM_000425.5, NM_024003.3); c.1744G>C, p.Gly582Arg (NM_001143963.2); short protein forms G587R, G582R.
Identifiers: ClinVar variation 435686 (VCV000435686.26), dbSNP rs199888009, ClinGen allele CA10554306.